The following is an entry in ClinVar:

NM_016507.4(CDK12):c.3743C>T (p.Pro1248Leu)

Gene: CDK12 (cyclin dependent kinase 12; plus strand). Cytogenetic location: 17q12.
Variant type: single nucleotide variant.
Coding change: c.3743C>T on transcript NM_016507.4 (MANE Select); coding-DNA position 3743, C replaced by T.
Protein change: p.Pro1248Leu; replaces proline 1248 with leucine.
Molecular consequence: missense variant.
Genome position (GRCh38, 1-based): chr17:39,526,299, C>T. VCF-style: chr17-39526299-C-T. GRCh37 (hg19) VCF-style: chr17-37682552-C-T.
Other names: c.3743C>T, p.Pro1248Leu (NM_015083.4); short protein forms P1248L.
Identifiers: ClinVar variation 4651314 (VCV004651314.1).
Genomic context (GRCh38, chr17:39,526,299, plus strand): 5'-AGGAAAACAACAGTGACAAGAACAGTGGGCCACAGGGGCCCCGAAGAACTCCCACAATGC[C>T]ACAGGAGGAGGCAGCAGGTAAACAGACCGGTCATGAATCTCATTGAGCTCAGGTGCTGTT-3'
Protein context (NP_057591.2, residues 1238-1258): PQGPRRTPTM[Pro1248Leu]QEEAAACPPH

ClinVar aggregate classification (germline): Uncertain significance (1 of 4 stars; one submission).

Submission:

Ambry Genetics
Classification: Uncertain significance. Last evaluated: 2025-09-17. Review status: criteria provided, single submitter. Criteria: Ambry Variant Classification Scheme 2023. Collection method: clinical testing. Allele origin: germline.
Comment: The p.P1248L variant (also known as c.3743C>T), located in coding exon 13 of the CDK12 gene, results from a C to T substitution at nucleotide position 3743. The proline at codon 1248 is replaced by leucine, an amino acid with similar properties. This amino acid position is conserved. In addition, this alteration is predicted to be tolerated by in silico analysis. Based on the available evidence, the clinical significance of this variant remains unclear.